The following is an entry in ClinVar:

ClinVar aggregate classification (germline): Likely benign. Review status: criteria provided, multiple submitters, no conflicts (2 of 4 stars). 2 submissions from 2 submitters: Likely benign (2). Last evaluated 2026-04-01.

gnomAD v4.1: 4 of 1,613,632 alleles (0.00025%); highest among the groups gnomAD compares: Non-Finnish European, 0.00034%; no homozygotes.

Submissions (2):

CeGaT Center for Human Genetics Tuebingen
Classification: Likely benign. Last evaluated: 2026-04-01. Review status: criteria provided, single submitter. Criteria: CeGaT Center For Human Genetics Tuebingen Variant Classification Criteria Version 2. Collection method: clinical testing. Allele origin: germline. Affected: yes. Observed: 1 variant allele.
Comment: EGLN1: BP4, BP7

Ambry Genetics
Classification: Likely benign. Last evaluated: 2019-08-21. Review status: criteria provided, single submitter. Criteria: Ambry Variant Classification Scheme 2023. Collection method: clinical testing. Allele origin: germline.

NM_022051.3(EGLN1):c.627G>T (p.Val209=)

Gene: EGLN1 (egl-9 family hypoxia inducible factor 1; minus strand). Cytogenetic location: 1q42.2.
Variant type: single nucleotide variant.
Coding change: c.627G>T on transcript NM_022051.3 (MANE Select); coding-DNA position 627, G replaced by T.
Protein change: p.Val209=; no amino-acid change (valine 209 retained).
Molecular consequence: synonymous variant.
Genome position (GRCh38, 1-based): chr1:231,421,262, C>A on the plus strand (G>T on the coding strand, the complement: EGLN1 is on the minus strand). VCF-style: chr1-231421262-C-A. GRCh37 (hg19) VCF-style: chr1-231557008-C-A.
Other names: c.627G>T, p.Val209= (NM_001377260.1, NM_001377261.1).
Identifiers: ClinVar variation 1752592 (VCV001752592.4), dbSNP rs775733855, ClinGen allele CA424040885.